The following is an entry in ClinVar:

ClinVar aggregate classification (germline): Likely pathogenic (1 of 4 stars; one submission).

Submission:

GeneDx
Classification: Likely pathogenic. Last evaluated: 2023-02-23. Review status: criteria provided, single submitter. Criteria: GeneDx Variant Classification Process June 2021. Collection method: clinical testing. Allele origin: germline. Affected: yes.
Comment: In-frame deletion of 9 amino acids in a non-repeat region; Not observed at significant frequency in large population cohorts (gnomAD); In silico analysis supports a deleterious effect on protein structure/function; Has not been previously published as pathogenic or benign to our knowledge

NM_003413.4(ZIC3):c.1159_1185del (p.Pro387_Lys395del)

Gene: ZIC3 (Zic family member 3; plus strand). Cytogenetic location: Xq26.3.
Variant type: Deletion.
Coding change: c.1159_1185del on transcript NM_003413.4 (MANE Select); coding-DNA positions 1159 to 1185, 27 bases deleted (CCCTATATCTGCAAAGTGTGCGACAAG).
Protein change: p.Pro387_Lys395del.
Molecular consequence: inframe deletion.
Genome position (GRCh38, 1-based): chrX:137,569,000-137,569,026, CCCTATATCTGCAAAGTGTGCGACAAG deleted; deleting any 27 consecutive bases within chrX:137,568,994-137,569,026 gives the same sequence; the c. name uses the placement nearest the transcript's 3' end. VCF-style (leftmost placement, unchanged base first): chrX-137568993-GGACAAGCCCTATATCTGCAAAGTGTGC-G. GRCh37 (hg19) VCF-style: chrX-136651152-GGACAAGCCCTATATCTGCAAAGTGTGC-G.
Other names: c.1159_1185del, p.Pro387_Lys395del (NM_001330661.1).
Identifiers: ClinVar variation 2577660 (VCV002577660.1), dbSNP rs2521154915, ClinGen allele CA2580617424.